The following is an entry in ClinVar:

NM_000095.3(COMP):c.1279G>A (p.Gly427Arg)

Gene: COMP (cartilage oligomeric matrix protein; minus strand). Cytogenetic location: 19p13.11.
Variant type: single nucleotide variant.
Coding change: c.1279G>A on transcript NM_000095.3 (MANE Select); coding-DNA position 1279, G replaced by A.
Protein change: p.Gly427Arg; replaces glycine 427 with arginine.
Molecular consequence: missense variant.
Genome position (GRCh38, 1-based): chr19:18,786,267, C>T on the plus strand (G>A on the coding strand, the complement: COMP is on the minus strand). VCF-style: chr19-18786267-C-T. GRCh37 (hg19) VCF-style: chr19-18897077-C-T.
Other names: short protein forms G427R.
Identifiers: ClinVar variation 1491149 (VCV001491149.8), dbSNP rs2145901035, ClinGen allele CA404885866.
Genomic context (GRCh38, chr19:18,786,267, plus strand): 5'-ACCCGGACGCCCACCCCAGGTGGCCTCCTTACTGGTCTTGATCGCTGTCACAAGCATCTC[C>T]CACAAAGTCGTGGTCCACATCCGCCTGCGGAGGGCAGCATGCGGGGGTCCATAATCAGAC-3'
Protein context (NP_000086.2, residues 417-437): DQADVDHDFV[Gly427Arg]DACDSDQDQD

ClinVar aggregate classification (germline): Likely pathogenic (1 of 4 stars; one submission).

Submission:

Labcorp Genetics (formerly Invitae), Labcorp
Classification: Likely pathogenic. Last evaluated: 2025-04-18. Review status: criteria provided, single submitter. Criteria: Invitae Variant Classification Sherloc (09022015). Collection method: clinical testing. Allele origin: germline.
Comment: This sequence change replaces glycine, which is neutral and non-polar, with arginine, which is basic and polar, at codon 427 of the COMP protein (p.Gly427Arg). This variant is not present in population databases (gnomAD no frequency). This variant has not been reported in the literature in individuals affected with COMP-related conditions. ClinVar contains an entry for this variant (Variation ID: 1491149). Invitae Evidence Modeling of protein sequence and biophysical properties (such as structural, functional, and spatial information, amino acid conservation, physicochemical variation, residue mobility, and thermodynamic stability) indicates that this missense variant is expected to disrupt COMP protein function with a positive predictive value of 80%. This variant disrupts the p.Gly427 amino acid residue in COMP. Other variant(s) that disrupt this residue have been determined to be pathogenic (PMID: 9756911, 9880218, 21922596; internal data). This suggests that this residue is clinically significant, and that variants that disrupt this residue are likely to be disease-causing. In summary, the currently available evidence indicates that the variant is pathogenic, but additional data are needed to prove that conclusively. Therefore, this variant has been classified as Likely Pathogenic.

Literature cited by the submitters: PubMed 9756911; PubMed 9880218; PubMed 21922596.